The following is an entry in ClinVar:

ClinVar aggregate classification (germline): Uncertain significance (1 of 4 stars; one submission).

Conditions:
Leigh syndrome (NULS). Also called: Leigh's necrotizing encephalopathy; Leigh's disease; Leigh's syndrome; LEIGH SYNDROME, NUCLEAR; Leigh Syndrome (mtDNA deletion); Leigh Disease. Identifiers: Orphanet 506, MedGen C2931891, MONDO:0009723, OMIM 256000.

Submission:

Wong Mito Lab, Molecular and Human Genetics, Baylor College of Medicine
Classification: Uncertain significance for Leigh syndrome. Last evaluated: 2019-10-17. Review status: criteria provided, single submitter. Criteria: Modified ACMG Guidelines (Unpublished). Collection method: clinical testing. Allele origin: germline.
Comment: The NC_012920.1:m.14980C>A (YP_003024038.1:p.Ile78Met) variant in MTCYB gene is interpretated to be a Uncertain Significance variant based on the modified ACMG guidelines (unpublished). This variant meets the following evidence codes: PP4, BP4

NC_012920.1(MT-CYB):m.14980C>A

Gene: MT-CYB (mitochondrially encoded cytochrome b; plus strand).
Variant type: single nucleotide variant.
Genome position: chrM-14980-C-A.
Identifiers: ClinVar variation 693803 (VCV000693803.1), dbSNP rs1603225000, ClinGen allele CA913172616.
Genomic context (GRCh38, chrMT:14,980, plus strand): 5'-CGCCTCAACCGCCTTTTCATCAATCGCCCACATCACTCGAGACGTAAATTATGGCTGAAT[C>A]ATCCGCTACCTTCACGCCAATGGCGCCTCAATATTCTTTATCTGCCTCTTCCTACACATC-3'